The following is an entry in ClinVar:

NM_001454.4(FOXJ1):c.913dup (p.Leu305fs)

Gene: FOXJ1 (forkhead box J1; minus strand). Cytogenetic location: 17q25.1.
Variant type: Duplication.
Coding change: c.913dup on transcript NM_001454.4 (MANE Select); coding-DNA position 913, one base duplicated (C; older notation c.913dupC).
Protein change: p.Leu305fs; shifts the reading frame from leucine 305.
Molecular consequence: frameshift variant.
Genome position (GRCh38, 1-based): chr17:76,137,706, G duplicated on the plus strand (C on the coding strand, the reverse complement: FOXJ1 is on the minus strand); the first of 4 consecutive G bases (chr17:76,137,706-76,137,709); duplicating any one gives the same sequence. VCF-style (leftmost placement, unchanged base first): chr17-76137705-A-AG. GRCh37 (hg19) VCF-style: chr17-74133786-A-AG.
Other names: short protein forms L305fs.
Identifiers: ClinVar variation 3066105 (VCV003066105.2), dbSNP rs2509838414, ClinGen allele CA2740097892.

ClinVar aggregate classification (germline): Pathogenic (1 of 4 stars; one submission).

Conditions:
Ciliary dyskinesia, primary, 43. Also called: CILIARY DYSKINESIA, PRIMARY, 43, WITH OR WITHOUT SITUS INVERSUS. Identifiers: MedGen C5231466, MONDO:0032874, OMIM 618699.

Submission:

MVZ Medizinische Genetik Mainz
Classification: Pathogenic for Ciliary dyskinesia, primary, 43. Last evaluated: 2024-05-07. Review status: criteria provided, single submitter. Criteria: UK Practice Guidelines For Variant Classification V4 01 2020. Collection method: clinical testing. Allele origin: germline. Inheritance: Autosomal dominant inheritance. Affected: yes. Observed: 1 variant allele.
Comment: ACMG Criteria: PVS1,PM2_SUP